The following is an entry in ClinVar:

NM_003754.3(EIF3F):c.799A>G (p.Ser267Gly)

Genes: EIF3F (eukaryotic translation initiation factor 3 subunit F; plus strand), LOC126861132 (CDK7 strongly-dependent group 2 enhancer GRCh37_chr11:8016231-8017430; plus strand). Cytogenetic location: 11p15.4.
Variant type: single nucleotide variant.
Coding change: c.799A>G on transcript NM_003754.3 (MANE Select); coding-DNA position 799, A replaced by G.
Protein change: p.Ser267Gly; replaces serine 267 with glycine.
Molecular consequence: missense variant.
Genome position (GRCh38, 1-based): chr11:7,995,035, A>G. VCF-style: chr11-7995035-A-G. GRCh37 (hg19) VCF-style: chr11-8016582-A-G.
Other names: short protein forms S267G.
Identifiers: ClinVar variation 1723119 (VCV001723119.4), dbSNP rs199991205, ClinGen allele CA5870673.

ClinVar aggregate classification (germline): Uncertain significance. Review status: criteria provided, multiple submitters, no conflicts (2 of 4 stars). 2 submissions from 2 submitters: Uncertain significance (2). Last evaluated 2024-06-13.

Allele frequency attached by ClinVar (database versions not stated): gnomAD 0.00001; TOPMed 0.00006; ExAC 0.00009; 1000 Genomes Project 0.00020; 1000 Genomes Project 30x 0.00031.
gnomAD v4.1: 32 of 1,613,932 alleles (0.002%); highest among the groups gnomAD compares: Admixed American, 0.05%; no homozygotes.

Submissions (2):

GeneDx
Classification: Uncertain significance. Last evaluated: 2024-06-13. Review status: criteria provided, single submitter. Criteria: GeneDx Variant Classification Process June 2021. Collection method: clinical testing. Allele origin: germline. Affected: yes.
Comment: In silico analysis indicates that this missense variant does not alter protein structure/function; Has not been previously published as pathogenic or benign to our knowledge

Breakthrough Genomics
Classification: Uncertain significance. Review status: criteria provided, single submitter. Criteria: ACMG Guidelines, 2015. Collection method: not provided. Allele origin: germline. Inheritance: Autosomal recessive inheritance. Affected: yes.